The following is an entry in ClinVar:

ClinVar aggregate classification (germline): Uncertain significance. Review status: criteria provided, multiple submitters, no conflicts (2 of 4 stars). 6 submissions from 6 submitters: Uncertain significance (6). Last evaluated 2025-08-12.

Conditions:
Cardiovascular phenotype. Identifiers: MedGen CN230736.
Cardiomyopathy (CMYO). Also called: Cardiomyopathies. Identifiers: Orphanet 167848, MedGen C0878544, MONDO:0004994, HP:0001638. Inheritance: Various modes of inheritance.
Catecholaminergic polymorphic ventricular tachycardia (CVPT). Also called: Catecholamine-induced polymorphic ventricular tachycardia. Identifiers: Orphanet 3286, MedGen C5574922, MONDO:0017990.
Catecholaminergic polymorphic ventricular tachycardia 1. Also called: RYR2-Related Catecholaminergic Polymorphic Ventricular Tachycardia; VENTRICULAR TACHYCARDIA, CATECHOLAMINERGIC POLYMORPHIC, 1, WITH OR WITHOUT ATRIAL DYSFUNCTION AND/OR DILATED CARDIOMYOPATHY; VENTRICULAR TACHYCARDIA, STRESS-INDUCED POLYMORPHIC 1. Identifiers: Orphanet 3286, MedGen C1631597, MONDO:0011484, OMIM 604772.

Allele frequency attached by ClinVar (database versions not stated): gnomAD 0.00001 and 0.00002; gnomAD exomes 0.00001; TOPMed 0.00001; ExAC 0.00002.

Submissions (6):

Labcorp Genetics (formerly Invitae), Labcorp
Classification: Uncertain significance for Catecholaminergic polymorphic ventricular tachycardia 1. Last evaluated: 2025-08-12. Review status: criteria provided, single submitter. Criteria: Invitae Variant Classification Sherloc (09022015). Collection method: clinical testing. Allele origin: germline.
Comment: This sequence change replaces methionine, which is neutral and non-polar, with valine, which is neutral and non-polar, at codon 1628 of the RYR2 protein (p.Met1628Val). This variant is present in population databases (rs757286828, gnomAD 0.003%). This variant has not been reported in the literature in individuals affected with RYR2-related conditions. ClinVar contains an entry for this variant (Variation ID: 201382). Invitae Evidence Modeling of protein sequence and biophysical properties (such as structural, functional, and spatial information, amino acid conservation, physicochemical variation, residue mobility, and thermodynamic stability) has been performed for this missense variant. However, the output from this modeling did not meet the statistical confidence thresholds required to predict the impact of this variant on RYR2 protein function. In summary, the available evidence is currently insufficient to determine the role of this variant in disease. Therefore, it has been classified as a Variant of Uncertain Significance.

All of Us Research Program, National Institutes of Health
Classification: Uncertain significance for Catecholaminergic polymorphic ventricular tachycardia. Last evaluated: 2024-03-24. Review status: criteria provided, single submitter. Criteria: ACMG Guidelines, 2015. Collection method: clinical testing. Allele origin: germline. Inheritance: Autosomal dominant inheritance. Observed: 4 variant alleles, 4 heterozygotes.
Comment: This missense variant replaces methionine with valine at codon 1628 of the RYR2 protein. Computational prediction suggests that this variant may have deleterious impact on protein structure and function (internally defined REVEL score threshold >= 0.7, PMID: 27666373). To our knowledge, functional studies have not been reported for this variant. This variant has not been reported in individuals affected with cardiovascular disorders in the literature. This variant has been identified in 3/247578 chromosomes in the general population by the Genome Aggregation Database (gnomAD). The available evidence is insufficient to determine the role of this variant in disease conclusively. Therefore, this variant is classified as a Variant of Uncertain Significance.

This study involves interpretation of variants in research participants for the purpose of population health screening. Participant phenotype was not available at the time of variant classification. Additional details can be found in publication PMID: 35346344, PMCID: PMC8962531

Color Diagnostics, LLC DBA Color Health
Classification: Uncertain significance for Cardiomyopathy. Last evaluated: 2024-03-06. Review status: criteria provided, single submitter. Criteria: ACMG Guidelines, 2015. Collection method: clinical testing. Allele origin: germline.
Comment: This missense variant replaces methionine with valine at codon 1628 of the RYR2 protein. Computational prediction suggests that this variant may have deleterious impact on protein structure and function (internally defined REVEL score threshold >= 0.7, PMID: 27666373). To our knowledge, functional studies have not been reported for this variant. This variant has not been reported in individuals affected with cardiovascular disorders in the literature. This variant has been identified in 3/247578 chromosomes in the general population by the Genome Aggregation Database (gnomAD). The available evidence is insufficient to determine the role of this variant in disease conclusively. Therefore, this variant is classified as a Variant of Uncertain Significance.

AiLife Diagnostics
Classification: Uncertain significance. Last evaluated: 2022-02-09. Review status: criteria provided, single submitter. Criteria: ACMG Guidelines, 2015. Collection method: clinical testing. Allele origin: germline. Affected: yes. Observed: 1 variant allele.

Ambry Genetics
Classification: Uncertain significance for Cardiovascular phenotype. Last evaluated: 2021-11-19. Review status: criteria provided, single submitter. Criteria: Ambry Variant Classification Scheme 2023. Collection method: clinical testing. Allele origin: germline.
Comment: The p.M1628V variant (also known as c.4882A>G), located in coding exon 36 of the RYR2 gene, results from an A to G substitution at nucleotide position 4882. The methionine at codon 1628 is replaced by valine, an amino acid with highly similar properties. This amino acid position is highly conserved in available vertebrate species. In addition, this alteration is predicted to be deleterious by in silico analysis. Since supporting evidence is limited at this time, the clinical significance of this alteration remains unclear.

GeneDx
Classification: Uncertain significance. Last evaluated: 2014-10-23. Review status: criteria provided, single submitter. Criteria: GeneDx Variant Classification (06012015). Collection method: clinical testing. Allele origin: germline. Affected: yes.
Comment: p.Met1628Val (ATG>GTG): c.4882 A>G in exon 36 of the RYR2 gene (NM_001035.2). The Met1628Val variant in the RYR2 gene has not been reported previously as a disease-causing mutation or as a benign polymorphism, to our knowledge. Although Met1628Val results in a conservative amino acid substitution of one non-polar amino acid with another, the Met1628 position is conserved in mammals and chicken. The NHLBI ESP Exome Variant Server reports Met1628Val was not observed in approximately 5,000 samples from individuals of European and African American backgrounds, indicating it is not a common benign variant in these populations. Nevertheless, no mutations in surrounding codons have been reported in association with CPVT, indicating this region of the protein may be tolerant of change. In summary, with the clinical and molecular information available at this time, we cannot unequivocally determine if the Met1628Val variant in the RYR2 gene is a disease-causing mutation or a rare benign variant. The variant is found in CPVT, POSTMORTEM panel(s).

NM_001035.3(RYR2):c.4882A>G (p.Met1628Val)

Gene: RYR2 (ryanodine receptor 2; plus strand). Cytogenetic location: 1q43.
Variant type: single nucleotide variant.
Coding change: c.4882A>G on transcript NM_001035.3 (MANE Select); coding-DNA position 4882, A replaced by G.
Protein change: p.Met1628Val; replaces methionine 1628 with valine.
Molecular consequence: missense variant.
Genome position (GRCh38, 1-based): chr1:237,610,960, A>G. VCF-style: chr1-237610960-A-G. GRCh37 (hg19) VCF-style: chr1-237774260-A-G.
Other names: p.M1628V:ATG>GTG; c.4882A>G, p.Met1628Val (LRG_402t1); short protein forms M1628V.
Identifiers: ClinVar variation 201382 (VCV000201382.20), dbSNP rs757286828, ClinGen allele CA009705.